The following is an entry in ClinVar:

NM_004336.5(BUB1):c.212A>G (p.Tyr71Cys)

Gene: BUB1 (BUB1 mitotic checkpoint serine/threonine kinase; minus strand). Cytogenetic location: 2q13.
Variant type: single nucleotide variant.
Coding change: c.212A>G on transcript NM_004336.5 (MANE Select); coding-DNA position 212, A replaced by G.
Protein change: p.Tyr71Cys; replaces tyrosine 71 with cysteine.
Molecular consequence: missense variant.
Genome position (GRCh38, 1-based): chr2:110,674,099, T>C on the plus strand (A>G on the coding strand, the complement: BUB1 is on the minus strand). VCF-style: chr2-110674099-T-C. GRCh37 (hg19) VCF-style: chr2-111431676-T-C.
Other names: c.152A>G, p.Tyr51Cys (NM_001278616.2); c.212A>G, p.Tyr71Cys (NM_001278617.2); short protein forms Y51C, Y71C.
Identifiers: ClinVar variation 1786367 (VCV001786367.4), dbSNP rs139180800, ClinGen allele CA1828429.

ClinVar aggregate classification (germline): Uncertain significance. Review status: criteria provided, multiple submitters, no conflicts (2 of 4 stars). 2 submissions from 2 submitters: Uncertain significance (2). Last evaluated 2024-12-09.

Allele frequency attached by ClinVar (database versions not stated): gnomAD 0.00001; TOPMed 0.00002; ExAC 0.00003; ESP Exome Variant Server 0.00016.
gnomAD v4.1: 54 of 1,529,700 alleles (0.0035%); highest among the groups gnomAD compares: Non-Finnish European, 0.0048%; no homozygotes.

Submissions (2):

Labcorp Genetics (formerly Invitae), Labcorp
Classification: Uncertain significance. Last evaluated: 2024-12-09. Review status: criteria provided, single submitter. Criteria: Invitae Variant Classification Sherloc (09022015). Collection method: clinical testing. Allele origin: germline.
Comment: This sequence change replaces tyrosine, which is neutral and polar, with cysteine, which is neutral and slightly polar, at codon 71 of the BUB1 protein (p.Tyr71Cys). This variant is present in population databases (rs139180800, gnomAD 0.002%). This variant has not been reported in the literature in individuals affected with BUB1-related conditions. ClinVar contains an entry for this variant (Variation ID: 1786367). An algorithm developed to predict the effect of missense changes on protein structure and function outputs the following: PolyPhen-2: "Not Available". The cysteine amino acid residue is found in multiple mammalian species, which suggests that this missense change does not adversely affect protein function. In summary, the available evidence is currently insufficient to determine the role of this variant in disease. Therefore, it has been classified as a Variant of Uncertain Significance.

Ambry Genetics
Classification: Uncertain significance. Last evaluated: 2023-11-21. Review status: criteria provided, single submitter. Criteria: Ambry Variant Classification Scheme 2023. Collection method: clinical testing. Allele origin: germline.
Comment: The p.Y71C variant (also known as c.212A>G), located in coding exon 3 of the BUB1 gene, results from an A to G substitution at nucleotide position 212. The tyrosine at codon 71 is replaced by cysteine, an amino acid with highly dissimilar properties. This amino acid position is conserved. In addition, the in silico prediction for this alteration is inconclusive. Since supporting evidence is limited at this time, the clinical significance of this alteration remains unclear.